The following is an entry in ClinVar:

NM_001197104.2(KMT2A):c.7807C>A (p.Leu2603Ile)

Gene: KMT2A (lysine methyltransferase 2A; plus strand). Cytogenetic location: 11q23.3.
Variant type: single nucleotide variant.
Coding change: c.7807C>A on transcript NM_001197104.2 (MANE Select); coding-DNA position 7807, C replaced by A.
Protein change: p.Leu2603Ile; replaces leucine 2603 with isoleucine.
Molecular consequence: missense variant.
Genome position (GRCh38, 1-based): chr11:118,503,699, C>A. VCF-style: chr11-118503699-C-A. GRCh37 (hg19) VCF-style: chr11-118374414-C-A.
Other names: c.7897C>A, p.Leu2633Ile (NM_001412597.1); c.7798C>A, p.Leu2600Ile (NM_005933.4); short protein forms L2633I, L2600I, L2603I.
Identifiers: ClinVar variation 3688299 (VCV003688299.2).

ClinVar aggregate classification (germline): Uncertain significance (1 of 4 stars; one submission).

gnomAD v4.1: 4 of 1,614,042 alleles (0.00025%); highest among the groups gnomAD compares: African/African-American, 0.0053%; no homozygotes.

Submission:

Labcorp Genetics (formerly Invitae), Labcorp
Classification: Uncertain significance. Last evaluated: 2025-01-20. Review status: criteria provided, single submitter. Criteria: Invitae Variant Classification Sherloc (09022015). Collection method: clinical testing. Allele origin: germline.
Comment: This sequence change replaces leucine, which is neutral and non-polar, with isoleucine, which is neutral and non-polar, at codon 2603 of the KMT2A protein (p.Leu2603Ile). This variant is present in population databases (rs138785863, gnomAD 0.008%). This variant has not been reported in the literature in individuals affected with KMT2A-related conditions. Invitae Evidence Modeling of protein sequence and biophysical properties (such as structural, functional, and spatial information, amino acid conservation, physicochemical variation, residue mobility, and thermodynamic stability) indicates that this missense variant is not expected to disrupt KMT2A protein function with a negative predictive value of 95%. In summary, the available evidence is currently insufficient to determine the role of this variant in disease. Therefore, it has been classified as a Variant of Uncertain Significance.